The following is an entry in ClinVar:

ClinVar aggregate classification (germline): Uncertain significance (1 of 4 stars; one submission).

Conditions:
Familial cancer of breast. Also called: hereditary breast carcinoma; BREAST CANCER, FAMILIAL; Hereditary breast cancer. Identifiers: Orphanet 227535, MedGen C0346153, MONDO:0016419, OMIM 114480. Disease mechanism: loss of function.

Submission:

Labcorp Genetics (formerly Invitae), Labcorp
Classification: Uncertain significance for Familial cancer of breast. Last evaluated: 2023-11-08. Review status: criteria provided, single submitter. Criteria: Invitae Variant Classification Sherloc (09022015). Collection method: clinical testing. Allele origin: germline.
Comment: This sequence change replaces leucine, which is neutral and non-polar, with phenylalanine, which is neutral and non-polar, at codon 648 of the PALB2 protein (p.Leu648Phe). This variant is not present in population databases (gnomAD no frequency). This variant has not been reported in the literature in individuals affected with PALB2-related conditions. ClinVar contains an entry for this variant (Variation ID: 943934). Advanced modeling of protein sequence and biophysical properties (such as structural, functional, and spatial information, amino acid conservation, physicochemical variation, residue mobility, and thermodynamic stability) performed at Invitae indicates that this missense variant is expected to disrupt PALB2 protein function with a positive predictive value of 80%. In summary, the available evidence is currently insufficient to determine the role of this variant in disease. Therefore, it has been classified as a Variant of Uncertain Significance.

NM_024675.4(PALB2):c.1942C>T (p.Leu648Phe)

Gene: PALB2 (partner and localizer of BRCA2; minus strand). Cytogenetic location: 16p12.2.
Variant type: single nucleotide variant.
Coding change: c.1942C>T on transcript NM_024675.4 (MANE Select); coding-DNA position 1942, C replaced by T.
Protein change: p.Leu648Phe; replaces leucine 648 with phenylalanine.
Molecular consequence: missense variant.
Genome position (GRCh38, 1-based): chr16:23,630,212, G>A on the plus strand (C>T on the coding strand, the complement: PALB2 is on the minus strand). VCF-style: chr16-23630212-G-A. GRCh37 (hg19) VCF-style: chr16-23641533-G-A.
Other names: short protein forms L648F.
Identifiers: ClinVar variation 943934 (VCV000943934.10), dbSNP rs1966863129, ClinGen allele CA395127427.
Genomic context (GRCh38, chr16:23,630,212, plus strand): 5'-TTTCTGTATCCATGCGTTTAGGACTCAGTTCCTCTGGAAAAATACAGCTTCCCTCTTTAA[G>A]ATGTCTCTCTCCAAACATTTTTGACTCAAAGGGCTCCACTGGTTTTTCTGAGCAGGACTT-3'
Protein context (NP_078951.2, residues 638-658): FESKMFGERH[Leu648Phe]KEGSCIFPEE